The following is an entry in ClinVar:

NM_001128840.3(CACNA1D):c.705T>C (p.Asp235=)

Gene: CACNA1D (calcium voltage-gated channel subunit alpha1 D; plus strand). Cytogenetic location: 3p21.1.
Variant type: single nucleotide variant.
Coding change: c.705T>C on transcript NM_001128840.3 (MANE Select); coding-DNA position 705, T replaced by C.
Protein change: p.Asp235=; no amino-acid change (aspartic acid 235 retained).
Molecular consequence: synonymous variant.
Genome position (GRCh38, 1-based): chr3:53,660,214, T>C. VCF-style: chr3-53660214-T-C. GRCh37 (hg19) VCF-style: chr3-53694241-T-C.
Other names: c.705T>C, p.Asp235= (NM_000720.4, NM_001128839.3).
Identifiers: ClinVar variation 4681594 (VCV004681594.5).

ClinVar aggregate classification (germline): Likely benign (1 of 4 stars; one submission).

Submission:

CeGaT Center for Human Genetics Tuebingen
Classification: Likely benign. Last evaluated: 2026-04-01. Review status: criteria provided, single submitter. Criteria: CeGaT Center For Human Genetics Tuebingen Variant Classification Criteria Version 2. Collection method: clinical testing. Allele origin: germline. Affected: yes. Observed: 2 variant alleles.
Comment: CACNA1D: PM2:Supporting, BP4, BP7